The following is an entry in ClinVar:

NM_205861.3(DHDDS):c.419A>G (p.Gln140Arg)

Gene: DHDDS (dehydrodolichyl diphosphate synthase subunit; plus strand). Cytogenetic location: 1p36.11.
Variant type: single nucleotide variant.
Coding change: c.419A>G on transcript NM_205861.3 (MANE Select); coding-DNA position 419, A replaced by G.
Protein change: p.Gln140Arg; replaces glutamine 140 with arginine.
Molecular consequence: missense variant. On other transcripts: intron variant (1).
Genome position (GRCh38, 1-based): chr1:26,446,411, A>G. VCF-style: chr1-26446411-A-G. GRCh37 (hg19) VCF-style: chr1-26772902-A-G.
Other names: c.419A>G, p.Gln140Arg (NM_024887.4, NM_001243564.2); c.324-1148A>G (NM_001243565.2); c.140A>G, p.Gln47Arg (NM_001319959.2); c.419A>G (NM_024887.3); short protein forms Q140R, Q47R.
Identifiers: ClinVar variation 1501697 (VCV001501697.6), dbSNP rs2075269440, ClinGen allele CA339142813.

ClinVar aggregate classification (germline): Uncertain significance. Review status: criteria provided, multiple submitters, no conflicts (2 of 4 stars). 2 submissions from 2 submitters: Uncertain significance (2). Last evaluated 2025-11-20.

Conditions:
Inborn genetic diseases. Identifiers: MedGen C0950123, MeSH D030342.
Retinitis pigmentosa 59 (RP59). Identifiers: Orphanet 791, MedGen C3151227, MONDO:0013468, OMIM 613861.

Allele frequency attached by ClinVar (database versions not stated): gnomAD exomes below 0.00001.
gnomAD v4.1: 2 of 1,613,856 alleles (0.00012%); highest among the groups gnomAD compares: Non-Finnish European, 0.00017%; no homozygotes.

Submissions (2):

Ambry Genetics
Classification: Uncertain significance for Inborn genetic diseases. Last evaluated: 2025-11-20. Review status: criteria provided, single submitter. Criteria: Ambry Variant Classification Scheme 2023. Collection method: clinical testing. Allele origin: germline.

Labcorp Genetics (formerly Invitae), Labcorp
Classification: Uncertain significance for Retinitis pigmentosa 59. Last evaluated: 2021-08-31. Review status: criteria provided, single submitter. Criteria: Invitae Variant Classification Sherloc (09022015). Collection method: clinical testing. Allele origin: germline.
Comment: This sequence change replaces glutamine with arginine at codon 140 of the DHDDS protein (p.Gln140Arg). The glutamine residue is weakly conserved and there is a small physicochemical difference between glutamine and arginine. This variant is not present in population databases (ExAC no frequency). This variant has not been reported in the literature in individuals affected with DHDDS-related conditions. Algorithms developed to predict the effect of missense changes on protein structure and function output the following: SIFT: "Tolerated"; PolyPhen-2: "Benign"; Align-GVGD: "Class C0". The arginine amino acid residue is found in multiple mammalian species, which suggests that this missense change does not adversely affect protein function. In summary, the available evidence is currently insufficient to determine the role of this variant in disease. Therefore, it has been classified as a Variant of Uncertain Significance.